The following is an entry in ClinVar:

NM_001557.4(CXCR2):c.746C>A (p.Ala249Asp)

Gene: CXCR2 (C-X-C motif chemokine receptor 2; plus strand). Cytogenetic location: 2q35.
Variant type: single nucleotide variant.
Coding change: c.746C>A on transcript NM_001557.4 (MANE Select); coding-DNA position 746, C replaced by A.
Protein change: p.Ala249Asp; replaces alanine 249 with aspartic acid.
Molecular consequence: missense variant.
Genome position (GRCh38, 1-based): chr2:218,135,547, C>A. VCF-style: chr2-218135547-C-A. GRCh37 (hg19) VCF-style: chr2-219000270-C-A.
Other names: c.746C>A, p.Ala249Asp (NM_001168298.2); short protein forms A249D.
Identifiers: ClinVar variation 1514087 (VCV001514087.6), dbSNP rs2106108969, ClinGen allele CA350531216.

ClinVar aggregate classification (germline): Uncertain significance (1 of 4 stars; one submission).

Submission:

Labcorp Genetics (formerly Invitae), Labcorp
Classification: Uncertain significance. Last evaluated: 2021-08-19. Review status: criteria provided, single submitter. Criteria: Invitae Variant Classification Sherloc (09022015). Collection method: clinical testing. Allele origin: germline.
Comment: This variant is not present in population databases (ExAC no frequency). This sequence change replaces alanine with aspartic acid at codon 249 of the CXCR2 protein (p.Ala249Asp). The alanine residue is highly conserved and there is a moderate physicochemical difference between alanine and aspartic acid. This variant has not been reported in the literature in individuals affected with CXCR2-related conditions. Algorithms developed to predict the effect of missense changes on protein structure and function (SIFT, PolyPhen-2, Align-GVGD) all suggest that this variant is likely to be disruptive. In summary, the available evidence is currently insufficient to determine the role of this variant in disease. Therefore, it has been classified as a Variant of Uncertain Significance.